The following is an entry in ClinVar:

ClinVar aggregate classification (germline): Likely pathogenic (1 of 4 stars; one submission).

Conditions:
COG7 congenital disorder of glycosylation (CDG2E). Also called: CONGENITAL DISORDER OF GLYCOSYLATION, TYPE IIe; CDG IIe. Identifiers: Orphanet 79333, MedGen C2931010, MONDO:0012118, OMIM 608779.

Submission:

Research Laboratories, P. D. Hinduja Hospital & MRC
Classification: Likely pathogenic for COG7 congenital disorder of glycosylation. Review status: criteria provided, single submitter. Criteria: ACMG Guidelines, 2015. Collection method: clinical testing. Allele origin: inherited. Inheritance: Autosomal recessive inheritance. Affected: yes. Observed: 1 variant allele, 1 homozygote.

NM_153603.4(COG7):c.1046A>G (p.Asp349Gly)

Gene: COG7 (component of oligomeric golgi complex 7; minus strand). Cytogenetic location: 16p12.2.
Variant type: single nucleotide variant.
Coding change: c.1046A>G on transcript NM_153603.4 (MANE Select); coding-DNA position 1046, A replaced by G.
Protein change: p.Asp349Gly; replaces aspartic acid 349 with glycine.
Molecular consequence: missense variant.
Genome position (GRCh38, 1-based): chr16:23,418,791, T>C on the plus strand (A>G on the coding strand, the complement: COG7 is on the minus strand). VCF-style: chr16-23418791-T-C. GRCh37 (hg19) VCF-style: chr16-23430112-T-C.
Other names: short protein forms D349G.
Identifiers: ClinVar variation 1184980 (VCV001184980.2), dbSNP rs1036433681, ClinGen allele CA395120512.
Genomic context (GRCh38, chr16:23,418,791, plus strand): 5'-TTGCTCTCTTCCATGTCGCCATACTTCAGCTGGTAGGGTTTGTATGGATCATACACAGCA[T>C]CCACCAGCTCCGTGACTTTTACCAGATTGTGTTCATCTTTAGGGAATCAGAAATGTAAAA-3'
Protein context (NP_705831.1, residues 339-359): HNLVKVTELV[Asp349Gly]AVYDPYKPYQ